The following is an entry in ClinVar:

NM_001042492.3(NF1):c.5391C>T (p.Asn1797=)

Gene: NF1 (neurofibromin 1; plus strand). Cytogenetic location: 17q11.2.
Variant type: single nucleotide variant.
Coding change: c.5391C>T on transcript NM_001042492.3 (MANE Select); coding-DNA position 5391, C replaced by T.
Protein change: p.Asn1797=; no amino-acid change (asparagine 1797 retained).
Molecular consequence: synonymous variant.
Genome position (GRCh38, 1-based): chr17:31,327,621, C>T. VCF-style: chr17-31327621-C-T. GRCh37 (hg19) VCF-style: chr17-29654639-C-T.
Other names: c.5328C>T, p.Asn1776= (NM_000267.4).
Identifiers: ClinVar variation 480111 (VCV000480111.6), dbSNP rs1449178444, ClinGen allele CA499446055.

ClinVar aggregate classification (germline): Likely benign. Review status: criteria provided, multiple submitters, no conflicts (2 of 4 stars). 2 submissions from 2 submitters: Likely benign (2). Last evaluated 2023-05-25.

Conditions:
Hereditary cancer-predisposing syndrome. Also called: Hereditary neoplastic syndrome; Neoplastic Syndromes, Hereditary; Tumor predisposition; Hereditary Cancer Syndrome. Identifiers: Orphanet 140162, MedGen C0027672, MeSH D009386, MONDO:0015356.
Neurofibromatosis, type 1 (NF1). Also called: VON RECKLINGHAUSEN DISEASE; Peripheral type neurofibromatosis; NEUROFIBROMATOSIS, TYPE I, SOMATIC; Neurofibromatosis, type I. Identifiers: Orphanet 636, MedGen C0027831, MONDO:0018975, OMIM 162200. Disease mechanism: loss of function.

Allele frequency attached by ClinVar (database versions not stated): gnomAD 0.00001.
gnomAD v4.1: 1 of 1,614,014 alleles (0.000062%); highest among the groups gnomAD compares: Non-Finnish European, 0.000085%; no homozygotes.

Submissions (2):

Labcorp Genetics (formerly Invitae), Labcorp
Classification: Likely benign for Neurofibromatosis, type 1. Last evaluated: 2023-05-25. Review status: criteria provided, single submitter. Criteria: Invitae Variant Classification Sherloc (09022015). Collection method: clinical testing. Allele origin: germline.

Ambry Genetics
Classification: Likely benign for Hereditary cancer-predisposing syndrome. Last evaluated: 2016-03-22. Review status: criteria provided, single submitter. Criteria: Ambry Autosomal Dominant and X-Linked criteria (10/2015). Collection method: clinical testing. Allele origin: germline. Observed: 1 variant allele.
Comment: In silico models in agreement (benign);Synonymous alterations with insufficient evidence to classify as benign